The following is an entry in ClinVar:

ClinVar aggregate classification (germline): Uncertain significance. Review status: criteria provided, multiple submitters, no conflicts (2 of 4 stars). 2 submissions from 2 submitters: Uncertain significance (2). Last evaluated 2025-01-20.

Conditions:
Cortical dysplasia-focal epilepsy syndrome (PTHSL1). Also called: Pitt-Hopkins-like syndrome 1. Identifiers: Orphanet 163681, Orphanet 221150, MedGen C2750246, MONDO:0012400, OMIM 610042.

Allele frequency attached by ClinVar (database versions not stated): ExAC 0.00001; gnomAD 0.00001; gnomAD exomes 0.00001 and 0.00002; TOPMed 0.00002; 1000 Genomes Project 30x 0.00016; 1000 Genomes Project 0.00020.
gnomAD v4.1: 6 of 1,614,202 alleles (0.00037%); highest among the groups gnomAD compares: Admixed American, 0.01%; no homozygotes.

Submissions (2):

Labcorp Genetics (formerly Invitae), Labcorp
Classification: Uncertain significance for Cortical dysplasia-focal epilepsy syndrome. Last evaluated: 2025-01-20. Review status: criteria provided, single submitter. Criteria: Invitae Variant Classification Sherloc (09022015). Collection method: clinical testing. Allele origin: germline.
Comment: This sequence change replaces leucine, which is neutral and non-polar, with serine, which is neutral and polar, at codon 150 of the CNTNAP2 protein (p.Leu150Ser). This variant is present in population databases (rs199851989, gnomAD 0.01%). This variant has not been reported in the literature in individuals affected with CNTNAP2-related conditions. ClinVar contains an entry for this variant (Variation ID: 935178). An algorithm developed to predict the effect of missense changes on protein structure and function (PolyPhen-2) suggests that this variant is likely to be disruptive. In summary, the available evidence is currently insufficient to determine the role of this variant in disease. Therefore, it has been classified as a Variant of Uncertain Significance.

GeneDx
Classification: Uncertain significance. Last evaluated: 2024-04-26. Review status: criteria provided, single submitter. Criteria: GeneDx Variant Classification Process June 2021. Collection method: clinical testing. Allele origin: germline. Affected: yes.
Comment: In silico analysis supports that this missense variant has a deleterious effect on protein structure/function; Has not been previously published as pathogenic or benign to our knowledge

NM_014141.6(CNTNAP2):c.449T>C (p.Leu150Ser)

Gene: CNTNAP2 (contactin associated protein 2; plus strand). Cytogenetic location: 7q35.
Variant type: single nucleotide variant.
Coding change: c.449T>C on transcript NM_014141.6 (MANE Select); coding-DNA position 449, T replaced by C.
Protein change: p.Leu150Ser; replaces leucine 150 with serine.
Molecular consequence: missense variant.
Genome position (GRCh38, 1-based): chr7:147,043,953, T>C. VCF-style: chr7-147043953-T-C. GRCh37 (hg19) VCF-style: chr7-146741045-T-C.
Other names: short protein forms L150S.
Identifiers: ClinVar variation 935178 (VCV000935178.9), dbSNP rs199851989, ClinGen allele CA4545788.